The following is an entry in ClinVar:

ClinVar aggregate classification (germline): Uncertain significance. Review status: criteria provided, multiple submitters, no conflicts (2 of 4 stars). 3 submissions from 3 submitters: Uncertain significance (3). Last evaluated 2026-01-12.

Conditions:
Familial cancer of breast. Also called: hereditary breast carcinoma; Hereditary breast cancer; BREAST CANCER, FAMILIAL. Identifiers: Orphanet 227535, MedGen C0346153, MONDO:0016419, OMIM 114480. Disease mechanism: loss of function.
Hereditary cancer-predisposing syndrome. Also called: Tumor predisposition; Hereditary Cancer Syndrome; Neoplastic Syndromes, Hereditary; Hereditary neoplastic syndrome. Identifiers: Orphanet 140162, MedGen C0027672, MeSH D009386, MONDO:0015356.

Allele frequency attached by ClinVar (database versions not stated): TOPMed below 0.00001.

Submissions (3):

Labcorp Genetics (formerly Invitae), Labcorp
Classification: Uncertain significance for Familial cancer of breast. Last evaluated: 2026-01-12. Review status: criteria provided, single submitter. Criteria: Invitae Variant Classification Sherloc (09022015). Collection method: clinical testing. Allele origin: germline.
Comment: This sequence change replaces glycine, which is neutral and non-polar, with glutamic acid, which is acidic and polar, at codon 525 of the CHEK2 protein (p.Gly525Glu). This variant is not present in population databases (gnomAD no frequency). This missense change has been observed in individual(s) with breast cancer (PMID: 30287823). ClinVar contains an entry for this variant (Variation ID: 481715). An algorithm developed to predict the effect of missense changes on protein structure and function outputs the following: PolyPhen-2: "Benign". The glutamic acid amino acid residue is found in multiple mammalian species, which suggests that this missense change does not adversely affect protein function. In summary, the available evidence is currently insufficient to determine the role of this variant in disease. Therefore, it has been classified as a Variant of Uncertain Significance.

Blueprint Genetics
Classification: Uncertain significance. Last evaluated: 2023-12-20. Review status: criteria provided, single submitter. Criteria: ACMG Guidelines, 2015. Collection method: clinical testing. Allele origin: germline.

Ambry Genetics
Classification: Uncertain significance for Hereditary cancer-predisposing syndrome. Last evaluated: 2018-06-04. Review status: criteria provided, single submitter. Criteria: Ambry Variant Classification Scheme 2023. Collection method: clinical testing. Allele origin: germline.
Comment: The p.G525E variant (also known as c.1574G>A), located in coding exon 14 of the CHEK2 gene, results from a G to A substitution at nucleotide position 1574. The glycine at codon 525 is replaced by glutamic acid, an amino acid with similar properties. This amino acid position is not well conserved in available vertebrate species. In addition, this alteration is predicted to be tolerated by in silico analysis. Since supporting evidence is limited at this time, the clinical significance of this alteration remains unclear.

Literature cited by the submitters: PubMed 30287823 (cited by Labcorp Genetics (formerly Invitae), Labcorp).

NM_007194.4(CHEK2):c.1574G>A (p.Gly525Glu)

Gene: CHEK2 (checkpoint kinase 2; minus strand). Cytogenetic location: 22q12.1.
Variant type: single nucleotide variant.
Coding change: c.1574G>A on transcript NM_007194.4 (MANE Select); coding-DNA position 1574, G replaced by A.
Protein change: p.Gly525Glu; replaces glycine 525 with glutamic acid.
Molecular consequence: missense variant.
Genome position (GRCh38, 1-based): chr22:28,687,955, C>T on the plus strand (G>A on the coding strand, the complement: CHEK2 is on the minus strand). VCF-style: chr22-28687955-C-T. GRCh37 (hg19) VCF-style: chr22-29083943-C-T.
Other names: c.1703G>A, p.Gly568Glu (NM_001005735.3); c.911G>A, p.Gly304Glu (NM_001257387.3); c.1373G>A, p.Gly458Glu (NM_001349956.3); c.1487G>A, p.Gly496Glu (NM_145862.3); short protein forms G525E, G458E, G304E, G496E, G568E.
Identifiers: ClinVar variation 481715 (VCV000481715.11), dbSNP rs1212728170, ClinGen allele CA411091291.